The following is an entry in ClinVar:

ClinVar aggregate classification (germline): Pathogenic/Likely pathogenic. Review status: criteria provided, multiple submitters, no conflicts (2 of 4 stars). 3 submissions from 3 submitters: Pathogenic (2); Likely pathogenic (1). Last evaluated 2026-01-24.

Conditions:
Oculocutaneous albinism type 1B (OCA1B). Also called: ALBINISM, OCULOCUTANEOUS, TYPE IB; ALBINISM, YELLOW MUTANT TYPE; YELLOW ALBINISM. Identifiers: Orphanet 352731, Orphanet 352737, Orphanet 79434, MedGen C1847024, MONDO:0011749, OMIM 606952.
SKIN/HAIR/EYE PIGMENTATION 3, LIGHT/DARK SKIN (SHEP3). Also called: EYE COLOR 1; EYE COLOR, GREEN/BLUE; SKIN/HAIR/EYE PIGMENTATION, VARIATION IN, 3; SKIN/HAIR/EYE PIGMENTATION 3, BLUE/GREEN EYE COLOR; SKIN/HAIR/EYE PIGMENTATION 3, FRECKLING. Identifiers: MedGen C2677190, OMIM 601800.
Oculocutaneous albinism type 1A (OCA1A). Also called: Albinism, oculocutaneous, type IA. Identifiers: Orphanet 352731, Orphanet 79431, MedGen C4551504, MONDO:0008745, OMIM 203100. Disease mechanism: loss of function.

Submissions (3):

Labcorp Genetics (formerly Invitae), Labcorp
Classification: Pathogenic. Last evaluated: 2026-01-24. Review status: criteria provided, single submitter. Criteria: Invitae Variant Classification Sherloc (09022015). Collection method: clinical testing. Allele origin: germline.
Comment: This sequence change creates a premature translational stop signal (p.Thr258Lysfs*3) in the TYR gene. It is expected to result in an absent or disrupted protein product. Loss-of-function variants in TYR are known to be pathogenic (PMID: 23504663). This variant is present in population databases (no rsID available, gnomAD 0.0009%). This premature translational stop signal has been observed in individual(s) with clinical features of oculocutaneous albinism (PMID: 29345414, 30472657). For these reasons, this variant has been classified as Pathogenic.

Victorian Clinical Genetics Services, Murdoch Childrens Research Institute
Classification: Pathogenic for Oculocutaneous albinism type 1B. Last evaluated: 2024-10-09. Review status: criteria provided, single submitter. Criteria: ACMG Guidelines, 2015. Collection method: clinical testing. Allele origin: germline. Inheritance: Autosomal recessive inheritance. Affected: yes.
Comment: Based on the classification scheme VCGS_Germline_v1.3.4, this variant is classified as Pathogenic. Following criteria are met: 0102 - Loss of function is a known mechanism of disease in this gene and is associated with oculocutaneous albinism type IA (MIM#203100) and type IB (MIM#606952). (I) 0106 - This gene is associated with autosomal recessive disease. (I) 0201 - Variant is predicted to cause nonsense-mediated decay (NMD) and loss of protein (premature termination codon is located at least 54 nucleotides upstream of the final exon-exon junction). (SP) 0251 - This variant is heterozygous. (I) 0304 - Variant is present in gnomAD (v2) <0.01 for a recessive condition (1 heterozygote, 0 homozygotes). (SP) 0701 - Many other NMD-predicted variants comparable to the one identified in this case have very strong previous evidence for pathogenicity (DECIPHER). (SP) 0802 - This variant has moderate previous evidence of pathogenicity in unrelated individuals. This variant has been classified as pathogenic in ClinVar. This variant has also been observed in two compound heterozygous individuals with oculocutaneous albinism (PMID: 30472657, 29345414). (SP) 0905 - No published segregation evidence has been identified for this variant. (I) 1007 - No published functional evidence has been identified for this variant. (I) 1208 - Inheritance information for this variant is not currently available in this individual. (I) Legend: (SP) - Supporting pathogenic, (I) - Information, (SB) - Supporting benign

Fulgent Genetics
Classification: Likely pathogenic for Oculocutaneous albinism type 1A; SKIN/HAIR/EYE PIGMENTATION 3, LIGHT/DARK SKIN; Oculocutaneous albinism type 1B. Last evaluated: 2024-02-27. Review status: criteria provided, single submitter. Criteria: ACMG Guidelines, 2015. Collection method: clinical testing. Allele origin: germline.

Literature cited by the submitters: PubMed 23504663 (cited by Labcorp Genetics (formerly Invitae), Labcorp); PubMed 29345414 (cited by Labcorp Genetics (formerly Invitae), Labcorp and Victorian Clinical Genetics Services, Murdoch Childrens Research Institute); PubMed 30472657 (cited by Labcorp Genetics (formerly Invitae), Labcorp and Victorian Clinical Genetics Services, Murdoch Childrens Research Institute).

NM_000372.5(TYR):c.773_774del (p.Thr258fs)

Gene: TYR (tyrosinase; plus strand). Cytogenetic location: 11q14.3.
Variant type: Microsatellite.
Coding change: c.773_774del on transcript NM_000372.5 (MANE Select); coding-DNA positions 773 to 774, 2 bases deleted (CA; older notation c.773_774delCA).
Protein change: p.Thr258fs; shifts the reading frame from threonine 258.
Molecular consequence: frameshift variant.
Genome position (GRCh38, 1-based): chr11:89,178,726-89,178,727, CA deleted; deleting any 2 consecutive bases within chr11:89,178,724-89,178,727 gives the same sequence; the c. name uses the placement nearest the transcript's 3' end. VCF-style (leftmost placement, unchanged base first): chr11-89178723-CCA-C. GRCh37 (hg19) VCF-style: chr11-88911891-CCA-C.
Other names: c.773_774delCA (NM_000372.4); short protein forms T258fs.
Identifiers: ClinVar variation 1438386 (VCV001438386.8), dbSNP rs1374400414, ClinGen allele CA601191349.
Genomic context (GRCh38, chr11:89,178,723, plus strand): 5'-ACTGGCGGGATGCAGAAAAGTGTGACATTTGCACAGATGAGTACATGGGAGGTCAGCACC[CCA>C]CAAATCCTAACTTACTCAGCCCAGCATCATTCTTCTCCTCTTGGCAGGTAAGATATGCTA-3'